The following is an entry in ClinVar:

ClinVar aggregate classification (germline): Benign. Review status: criteria provided, single submitter (1 of 4 stars). 2 submissions from 2 submitters: Benign (1). 1 of the submissions does not count toward it. Last evaluated 2026-01-26.

Conditions:
LAMA5-related disorder. Also called: LAMA5-related condition; LAMA5-Related Disorders.

Allele frequency attached by ClinVar (database versions not stated): TOPMed 0.00003; gnomAD 0.00010; gnomAD exomes 0.00023; ExAC 0.00061; 1000 Genomes Project 0.00100; 1000 Genomes Project 30x 0.00141.
gnomAD v4.1: 349 of 1,604,774 alleles (0.022%); highest among the groups gnomAD compares: South Asian, 0.37%; 6 homozygotes.

Submissions (2):

Labcorp Genetics (formerly Invitae), Labcorp
Classification: Benign. Last evaluated: 2026-01-26. Review status: criteria provided, single submitter. Criteria: Invitae Variant Classification Sherloc (09022015). Collection method: clinical testing. Allele origin: germline.

PreventionGenetics, part of Exact Sciences
Classification: Likely benign for LAMA5-related condition. Last evaluated: 2019-06-28. Review status: no assertion criteria provided. Collection method: clinical testing. Allele origin: germline. Not counted in ClinVar's aggregate classification.
Comment: This variant is classified as likely benign based on ACMG/AMP sequence variant interpretation guidelines (Richards et al. 2015 PMID: 25741868, with internal and published modifications).

NM_005560.6(LAMA5):c.3606C>G (p.Pro1202=)

Gene: LAMA5 (laminin subunit alpha 5; minus strand). Cytogenetic location: 20q13.33.
Variant type: single nucleotide variant.
Coding change: c.3606C>G on transcript NM_005560.6 (MANE Select); coding-DNA position 3606, C replaced by G.
Protein change: p.Pro1202=; no amino-acid change (proline 1202 retained).
Molecular consequence: synonymous variant.
Genome position (GRCh38, 1-based): chr20:62,331,076, G>C on the plus strand (C>G on the coding strand, the complement: LAMA5 is on the minus strand). VCF-style: chr20-62331076-G-C. GRCh37 (hg19) VCF-style: chr20-60906132-G-C.
Other names: c.3606C>G (NM_005560.4).
Identifiers: ClinVar variation 1976028 (VCV001976028.7), dbSNP rs571817029, ClinGen allele CA9942923.